The following is an entry in ClinVar:

NM_024649.5(BBS1):c.1072del (p.Tyr358fs)

Genes: BBS1 (Bardet-Biedl syndrome 1; plus strand), ZDHHC24 (zDHHC palmitoyltransferase 24; minus strand). Cytogenetic location: 11q13.2.
Variant type: Deletion.
Coding change: c.1072del on transcript NM_024649.5 (MANE Select); coding-DNA position 1072, one base deleted (T; older notation c.1072delT).
Protein change: p.Tyr358fs; shifts the reading frame from tyrosine 358.
Molecular consequence: frameshift variant. On other transcripts: intron variant (1).
Genome position (GRCh38, 1-based): chr11:66,523,844, T deleted; the last of 3 consecutive T bases (chr11:66,523,842-66,523,844); deleting any one gives the same sequence. VCF-style (leftmost placement, unchanged base first): chr11-66523841-AT-A. GRCh37 (hg19) VCF-style: chr11-66291312-AT-A.
Other names: c.*22-2376del (NM_001348571.2); short protein forms Y358fs.
Identifiers: ClinVar variation 370496 (VCV000370496.10), dbSNP rs1057516533, ClinGen allele CA16041530.

ClinVar aggregate classification (germline): Pathogenic. Review status: criteria provided, single submitter (1 of 4 stars). 2 submissions from 2 submitters: Pathogenic (1). 1 of the submissions does not count toward it. Last evaluated 2016-12-15.

Conditions:
Bardet-Biedl syndrome 1 (BBS1). Identifiers: MedGen C2936862, MONDO:0008854, OMIM 209900. Disease mechanism: loss of function.
Bardet-Biedl syndrome (BBS). Identifiers: Orphanet 110, MedGen C0752166, MONDO:0015229.

Submissions (2):

Labcorp Genetics (formerly Invitae), Labcorp
Classification: Pathogenic for Bardet-Biedl syndrome. Last evaluated: 2016-12-15. Review status: criteria provided, single submitter. Criteria: Invitae Variant Classification Sherloc (09022015). Collection method: clinical testing. Allele origin: germline.
Comment: While this particular variant has not been reported in the literature, loss-of-function variants in BBS1 are known to be pathogenic (PMID: 12118255). For these reasons, this variant has been classified as Pathogenic. This sequence change deletes 1 nucleotide from exon 11 of the BBS1 mRNA (c.1072delT), causing a frameshift at codon 358. This creates a premature translational stop signal (p.Tyr358Ilefs*16) and is expected to result in an absent or disrupted protein product.

Counsyl
Classification: Likely pathogenic for Bardet-Biedl syndrome 1. Last evaluated: 2016-02-19. Review status: no assertion criteria provided. Collection method: clinical testing. Allele origin: unknown. Not counted in ClinVar's aggregate classification.

Literature cited by the submitters: PubMed 12118255 (cited by Labcorp Genetics (formerly Invitae), Labcorp).